The following is an entry in ClinVar:

NM_024580.6(EFL1):c.2641C>A (p.Pro881Thr)

Gene: EFL1 (elongation factor like GTPase 1; minus strand). Cytogenetic location: 15q25.2.
Variant type: single nucleotide variant.
Coding change: c.2641C>A on transcript NM_024580.6 (MANE Select); coding-DNA position 2641, C replaced by A.
Protein change: p.Pro881Thr; replaces proline 881 with threonine.
Molecular consequence: missense variant. On other transcripts: non-coding transcript variant (1).
Genome position (GRCh38, 1-based): chr15:82,151,813, G>T on the plus strand (C>A on the coding strand, the complement: EFL1 is on the minus strand). VCF-style: chr15-82151813-G-T. GRCh37 (hg19) VCF-style: chr15-82444154-G-T.
Other names: p.Pro881Thr; c.2488C>A, p.Pro830Thr (NM_001040610.3); c.1852C>A, p.Pro618Thr (NM_001322844.2); c.2641C>A, p.Pro881Thr (NM_001322845.2); short protein forms P618T, P830T, P881T.
Identifiers: ClinVar variation 715817 (VCV000715817.44), dbSNP rs72749532, ClinGen allele CA7697717.

ClinVar aggregate classification (germline): Benign/Likely benign. Review status: criteria provided, multiple submitters, no conflicts (2 of 4 stars). 6 submissions from 6 submitters: Benign (3); Likely benign (3). Last evaluated 2026-09-01.

Allele frequency attached by ClinVar (database versions not stated): 1000 Genomes Project 30x 0.00437; TOPMed 0.00452; 1000 Genomes Project 0.00459; ESP Exome Variant Server 0.00611; gnomAD 0.00962.

Submissions (6):

CeGaT Center for Human Genetics Tuebingen
Classification: Likely benign. Last evaluated: 2026-09-01. Review status: criteria provided, single submitter. Criteria: CeGaT Center For Human Genetics Tuebingen Variant Classification Criteria Version 2. Collection method: clinical testing. Allele origin: germline. Affected: yes. Observed: 17 variant alleles.
Comment: EFL1: BS2

Women's Health and Genetics/Laboratory Corporation of America, LabCorp
Classification: Likely benign. Last evaluated: 2026-02-06. Review status: criteria provided, single submitter. Criteria: LabCorp Variant Classification Summary - May 2015. Collection method: clinical testing. Allele origin: germline.
Comment: Variant summary: EFL1 c.2641C>A (p.Pro881Thr) results in a non-conservative amino acid change in the encoded protein sequence. Algorithms developed to predict the effect of missense changes on protein structure and function all suggest that this variant is likely to be disruptive. The variant allele was found at a frequency of 0.0072 in 248972 control chromosomes in the gnomAD database, including 15 homozygotes. The observed variant frequency exceeds the estimated maximal expected allele frequency for disease-causing variants in EFL1. To our knowledge, no occurrence of c.2641C>A in individuals affected with EFL1-related conditions and no experimental evidence demonstrating its impact on protein function have been reported. ClinVar contains an entry for this variant (Variation ID: 715817). Based on the evidence outlined above, the variant was classified as likely benign.

Labcorp Genetics (formerly Invitae), Labcorp
Classification: Benign. Last evaluated: 2026-02-01. Review status: criteria provided, single submitter. Criteria: Invitae Variant Classification Sherloc (09022015). Collection method: clinical testing. Allele origin: germline.

Blueprint Genetics
Classification: Likely benign. Last evaluated: 2024-11-27. Review status: criteria provided, single submitter. Criteria: ACMG Guidelines, 2015. Collection method: clinical testing. Allele origin: germline.

Mayo Clinic Laboratories, Mayo Clinic
Classification: Benign. Last evaluated: 2023-12-06. Review status: criteria provided, single submitter. Criteria: ACMG Guidelines, 2015. Collection method: clinical testing. Allele origin: germline. Observed: 6 variant alleles.
Comment: BS1, BS2, PP3

Breakthrough Genomics
Classification: Benign. Review status: criteria provided, single submitter. Criteria: ACMG Guidelines, 2015. Collection method: not provided. Allele origin: germline. Inheritance: Autosomal recessive inheritance. Affected: yes.